The following is an entry in ClinVar:

NM_032242.4(PLXNA1):c.*6A>G

Gene: PLXNA1 (plexin A1; plus strand). Cytogenetic location: 3q21.3.
Variant type: single nucleotide variant.
Coding change: c.*6A>G on transcript NM_032242.4 (MANE Select); 6 bases downstream of the stop codon, A replaced by G.
Molecular consequence: 3 prime UTR variant.
Genome position (GRCh38, 1-based): chr3:127,034,023, A>G. VCF-style: chr3-127034023-A-G. GRCh37 (hg19) VCF-style: chr3-126752866-A-G.
Identifiers: ClinVar variation 3349684 (VCV003349684.1).
Genomic context (GRCh38, chr3:127,034,023, plus strand): 5'-GCGGCTGCGGAGCAAGCTGGAGCAGGTGGTGGACACGATGGCCCTGAGCAGCTGAGCCCC[A>G]GCTGTGATCATCCAGCATGATGCAGCGTGAGGACAGCTGAGCAGGGACCGGGACAGCCCT-3'

ClinVar aggregate classification (germline): Likely benign (0 of 4 stars; one submission).

Conditions:
PLXNA1-related disorder. Also called: PLXNA1-related condition.

gnomAD v4.1: 2 of 1,592,000 alleles (0.00013%); highest among the groups gnomAD compares: Non-Finnish European, 0.00017%; no homozygotes.

Submission:

PreventionGenetics, part of Exact Sciences
Classification: Likely benign for PLXNA1-related condition. Last evaluated: 2024-02-07. Review status: no assertion criteria provided. Collection method: clinical testing. Allele origin: germline.
Comment: This variant is classified as likely benign based on ACMG/AMP sequence variant interpretation guidelines (Richards et al. 2015 PMID: 25741868, with internal and published modifications).